The following is an entry in ClinVar:

NM_207122.2(EXT2):c.220G>C (p.Asp74His)

Gene: EXT2 (exostosin glycosyltransferase 2; plus strand). Cytogenetic location: 11p11.2.
Variant type: single nucleotide variant.
Coding change: c.220G>C on transcript NM_207122.2 (MANE Select); coding-DNA position 220, G replaced by C.
Protein change: p.Asp74His; replaces aspartic acid 74 with histidine.
Molecular consequence: missense variant.
Genome position (GRCh38, 1-based): chr11:44,107,932, G>C. VCF-style: chr11-44107932-G-C. GRCh37 (hg19) VCF-style: chr11-44129482-G-C.
Other names: c.319G>C, p.Asp107His (NM_000401.3); c.220G>C, p.Asp74His (NM_001178083.3, NM_001389628.1, NM_001389630.1); short protein forms D107H, D74H.
Identifiers: ClinVar variation 4707186 (VCV004707186.1).

ClinVar aggregate classification (germline): Uncertain significance (1 of 4 stars; one submission).

Conditions:
Exostoses, multiple, type 2 (EXT2). Also called: Hereditary Multiple Osteochondromatosis, Type II; EXOSTOSES, MULTIPLE, TYPE II. Identifiers: Orphanet 321, MedGen C1851413, MONDO:0007586, OMIM 133701.

gnomAD v4.1: 1 of 1,614,206 alleles (0.000062%); highest among the groups gnomAD compares: East Asian, 0.0022%; no homozygotes.

Submission:

Labcorp Genetics (formerly Invitae), Labcorp
Classification: Uncertain significance for Exostoses, multiple, type 2. Last evaluated: 2025-11-25. Review status: criteria provided, single submitter. Criteria: Invitae Variant Classification Sherloc (09022015). Collection method: clinical testing. Allele origin: germline.
Comment: This sequence change replaces aspartic acid, which is acidic and polar, with histidine, which is basic and polar, at codon 74 of the EXT2 protein (p.Asp74His). This variant is present in population databases (rs759924417, gnomAD 0.006%). This variant has not been reported in the literature in individuals affected with EXT2-related conditions. Invitae Evidence Modeling of protein sequence and biophysical properties (such as structural, functional, and spatial information, amino acid conservation, physicochemical variation, residue mobility, and thermodynamic stability) indicates that this missense variant is not expected to disrupt EXT2 protein function with a negative predictive value of 95%. In summary, the available evidence is currently insufficient to determine the role of this variant in disease. Therefore, it has been classified as a Variant of Uncertain Significance.